The following is an entry in ClinVar:

ClinVar aggregate classification (germline): Uncertain significance (1 of 4 stars; one submission).

Submission:

GeneDx
Classification: Uncertain significance. Last evaluated: 2023-01-18. Review status: criteria provided, single submitter. Criteria: GeneDx Variant Classification Process June 2021. Collection method: clinical testing. Allele origin: germline. Affected: yes.
Comment: Not observed at significant frequency in large population cohorts (gnomAD); In silico analysis supports that this missense variant has a deleterious effect on protein structure/function; Has not been previously published as pathogenic or benign to our knowledge

NM_014363.6(SACS):c.9635C>T (p.Ser3212Phe)

Gene: SACS (sacsin molecular chaperone; minus strand). Cytogenetic location: 13q12.12.
Variant type: single nucleotide variant.
Coding change: c.9635C>T on transcript NM_014363.6 (MANE Select); coding-DNA position 9635, C replaced by T.
Protein change: p.Ser3212Phe; replaces serine 3212 with phenylalanine.
Molecular consequence: missense variant.
Genome position (GRCh38, 1-based): chr13:23,334,241, G>A on the plus strand (C>T on the coding strand, the complement: SACS is on the minus strand). VCF-style: chr13-23334241-G-A. GRCh37 (hg19) VCF-style: chr13-23908380-G-A.
Other names: c.9194C>T, p.Ser3065Phe (NM_001278055.2); short protein forms S3065F, S3212F.
Identifiers: ClinVar variation 2573663 (VCV002573663.1), dbSNP rs2542196897, ClinGen allele CA387513992.